The following is an entry in ClinVar:

NM_014159.7(SETD2):c.3659C>A (p.Thr1220Asn)

Gene: SETD2 (SET domain containing 2, histone lysine methyltransferase; minus strand). Cytogenetic location: 3p21.31.
Variant type: single nucleotide variant.
Coding change: c.3659C>A on transcript NM_014159.7 (MANE Select); coding-DNA position 3659, C replaced by A.
Protein change: p.Thr1220Asn; replaces threonine 1220 with asparagine.
Molecular consequence: missense variant. On other transcripts: non-coding transcript variant (1).
Genome position (GRCh38, 1-based): chr3:47,120,977, G>T on the plus strand (C>A on the coding strand, the complement: SETD2 is on the minus strand). VCF-style: chr3-47120977-G-T. GRCh37 (hg19) VCF-style: chr3-47162467-G-T.
Other names: c.3527C>A, p.Thr1176Asn (NM_001349370.3); short protein forms T1176N, T1220N.
Identifiers: ClinVar variation 996996 (VCV000996996.6), dbSNP rs764195998, ClinGen allele CA2363347.

ClinVar aggregate classification (germline): Conflicting classifications of pathogenicity. Review status: criteria provided, conflicting classifications (1 of 4 stars). 5 submissions from 5 submitters: Uncertain significance (3); Likely benign (1). 1 of the submissions does not count toward it. Last evaluated 2025-10-08.

Conditions:
Inborn genetic diseases. Identifiers: MedGen C0950123, MeSH D030342.
Luscan-Lumish syndrome. Identifiers: Orphanet 597738, MedGen C4085873, MONDO:0014791, OMIM 616831.
SETD2-related disorder.

Allele frequency attached by ClinVar (database versions not stated): gnomAD exomes 0.00002 and 0.00005; ExAC 0.00004; gnomAD 0.00018 and 0.00021; TOPMed 0.00023.
gnomAD v4.1: 64 of 1,614,190 alleles (0.004%); highest among the groups gnomAD compares: African/African-American, 0.067%; no homozygotes.

Submissions (5):

Labcorp Genetics (formerly Invitae), Labcorp
Classification: Uncertain significance for Luscan-Lumish syndrome. Last evaluated: 2025-10-08. Review status: criteria provided, single submitter. Criteria: Invitae Variant Classification Sherloc (09022015). Collection method: clinical testing. Allele origin: germline.
Comment: This sequence change replaces threonine, which is neutral and polar, with asparagine, which is neutral and polar, at codon 1220 of the SETD2 protein (p.Thr1220Asn). This variant is present in population databases (rs764195998, gnomAD 0.07%), and has an allele count higher than expected for a pathogenic variant. This variant has not been reported in the literature in individuals affected with SETD2-related conditions. ClinVar contains an entry for this variant (Variation ID: 996996). Invitae Evidence Modeling of protein sequence and biophysical properties (such as structural, functional, and spatial information, amino acid conservation, physicochemical variation, residue mobility, and thermodynamic stability) indicates that this missense variant is not expected to disrupt SETD2 protein function with a negative predictive value of 80%. In summary, the available evidence is currently insufficient to determine the role of this variant in disease. Therefore, it has been classified as a Variant of Uncertain Significance.

Ambry Genetics
Classification: Likely benign for Inborn genetic diseases. Last evaluated: 2023-10-28. Review status: criteria provided, single submitter. Criteria: Ambry Variant Classification Scheme 2023. Collection method: clinical testing. Allele origin: germline.

New York Genome Center
Classification: Uncertain significance for Luscan-Lumish syndrome. Last evaluated: 2020-05-14. Review status: criteria provided, single submitter. Criteria: NYGC Assertion Criteria 2020. Collection method: clinical testing. Allele origin: germline. Inheritance: Autosomal dominant inheritance. Observed: 1 heterozygote. Study: CSER-NYCKidSeq.

Breakthrough Genomics
Classification: Uncertain significance. Review status: criteria provided, single submitter. Criteria: ACMG Guidelines, 2015. Collection method: not provided. Allele origin: germline. Inheritance: Autosomal dominant inheritance. Affected: yes.

PreventionGenetics, part of Exact Sciences
Classification: Likely benign for SETD2-related condition. Last evaluated: 2022-11-28. Review status: no assertion criteria provided. Collection method: clinical testing. Allele origin: germline. Not counted in ClinVar's aggregate classification.
Comment: This variant is classified as likely benign based on ACMG/AMP sequence variant interpretation guidelines (Richards et al. 2015 PMID: 25741868, with internal and published modifications).